The following is an entry in ClinVar:

NM_005883.3(APC2):c.978C>T (p.Ala326=)

Gene: APC2 (APC regulator of Wnt signaling pathway 2; plus strand). Cytogenetic location: 19p13.3.
Variant type: single nucleotide variant.
Coding change: c.978C>T on transcript NM_005883.3 (MANE Select); coding-DNA position 978, C replaced by T.
Protein change: p.Ala326=; no amino-acid change (alanine 326 retained).
Molecular consequence: synonymous variant.
Genome position (GRCh38, 1-based): chr19:1,457,014, C>T. VCF-style: chr19-1457014-C-T. GRCh37 (hg19) VCF-style: chr19-1457013-C-T.
Other names: c.975C>T, p.Ala325= (NM_001351273.1).
Identifiers: ClinVar variation 3049371 (VCV003049371.2), dbSNP rs750529335, ClinGen allele CA504895555.

ClinVar aggregate classification (germline): Likely benign (0 of 4 stars; one submission).

Conditions:
APC2-related disorder. Also called: APC2-related condition; APC2-Related Disorders.

Allele frequency attached by ClinVar (database versions not stated): gnomAD 0.00003.
gnomAD v4.1: 11 of 1,529,062 alleles (0.00072%); highest among the groups gnomAD compares: Middle Eastern, 0.018%; no homozygotes.

Submission:

PreventionGenetics, part of Exact Sciences
Classification: Likely benign for APC2-related condition. Last evaluated: 2019-07-18. Review status: no assertion criteria provided. Collection method: clinical testing. Allele origin: germline.
Comment: This variant is classified as likely benign based on ACMG/AMP sequence variant interpretation guidelines (Richards et al. 2015 PMID: 25741868, with internal and published modifications).